The following is an entry in ClinVar:

ClinVar aggregate classification (germline): Uncertain significance. Review status: criteria provided, multiple submitters, no conflicts (2 of 4 stars). 2 submissions from 2 submitters: Uncertain significance (2). Last evaluated 2025-09-05.

Conditions:
Inborn genetic diseases. Identifiers: MedGen C0950123, MeSH D030342.

Allele frequency attached by ClinVar (database versions not stated): gnomAD exomes 0.00001 and 0.00004; ExAC 0.00003; TOPMed 0.00006; gnomAD 0.00007; ESP Exome Variant Server 0.00008.

Submissions (2):

Labcorp Genetics (formerly Invitae), Labcorp
Classification: Uncertain significance. Last evaluated: 2025-09-05. Review status: criteria provided, single submitter. Criteria: Invitae Variant Classification Sherloc (09022015). Collection method: clinical testing. Allele origin: germline.
Comment: This sequence change replaces arginine, which is basic and polar, with glutamine, which is neutral and polar, at codon 541 of the DUOX2 protein (p.Arg541Gln). This variant is present in population databases (rs376118025, gnomAD 0.02%). This variant has not been reported in the literature in individuals affected with DUOX2-related conditions. ClinVar contains an entry for this variant (Variation ID: 1380315). Invitae Evidence Modeling of protein sequence and biophysical properties (such as structural, functional, and spatial information, amino acid conservation, physicochemical variation, residue mobility, and thermodynamic stability) indicates that this missense variant is not expected to disrupt DUOX2 protein function with a negative predictive value of 80%. In summary, the available evidence is currently insufficient to determine the role of this variant in disease. Therefore, it has been classified as a Variant of Uncertain Significance.

Ambry Genetics
Classification: Uncertain significance for Inborn genetic diseases. Last evaluated: 2025-01-17. Review status: criteria provided, single submitter. Criteria: Ambry Variant Classification Scheme 2023. Collection method: clinical testing. Allele origin: germline.

NM_001363711.2(DUOX2):c.1622G>A (p.Arg541Gln)

Gene: DUOX2 (dual oxidase 2; minus strand). Cytogenetic location: 15q21.1.
Variant type: single nucleotide variant.
Coding change: c.1622G>A on transcript NM_001363711.2 (MANE Select); coding-DNA position 1622, G replaced by A.
Protein change: p.Arg541Gln; replaces arginine 541 with glutamine.
Molecular consequence: missense variant.
Genome position (GRCh38, 1-based): chr15:45,107,416, C>T on the plus strand (G>A on the coding strand, the complement: DUOX2 is on the minus strand). VCF-style: chr15-45107416-C-T. GRCh37 (hg19) VCF-style: chr15-45399614-C-T.
Other names: c.1622G>A, p.Arg541Gln (NM_014080.5); c.1622G>A (NM_014080.4); short protein forms R541Q.
Identifiers: ClinVar variation 1380315 (VCV001380315.7), dbSNP rs376118025, ClinGen allele CA7538544.